The following is an entry in ClinVar:

NM_002427.4(MMP13):c.328_329del (p.Thr110fs)

Genes: MMP13 (matrix metallopeptidase 13; minus strand), LOC126861318 (BRD4-independent group 4 enhancer GRCh37_chr11:102825894-102827093; plus strand). Cytogenetic location: 11q22.2.
Variant type: Deletion.
Coding change: c.328_329del on transcript NM_002427.4 (MANE Select); coding-DNA positions 328 to 329, 2 bases deleted (AC; older notation c.328_329delAC).
Protein change: p.Thr110fs; shifts the reading frame from threonine 110.
Molecular consequence: frameshift variant.
Genome position (GRCh38, 1-based): chr11:102,955,285-102,955,286, GT deleted on the plus strand (AC on the coding strand, the reverse complement: MMP13 is on the minus strand). VCF-style (leftmost placement, unchanged base first): chr11-102955284-AGT-A. GRCh37 (hg19) VCF-style: chr11-102826013-AGT-A.
Other names: short protein forms T110fs.
Identifiers: ClinVar variation 1369443 (VCV001369443.6), dbSNP rs2134523032, ClinGen allele CA2573146341.

ClinVar aggregate classification (germline): Pathogenic (1 of 4 stars; one submission).

Submission:

Labcorp Genetics (formerly Invitae), Labcorp
Classification: Pathogenic. Last evaluated: 2020-11-07. Review status: criteria provided, single submitter. Criteria: Invitae Variant Classification Sherloc (09022015). Collection method: clinical testing. Allele origin: germline.
Comment: This variant is not present in population databases (ExAC no frequency). This variant has not been reported in the literature in individuals with MMP13-related conditions. For these reasons, this variant has been classified as Pathogenic. This sequence change creates a premature translational stop signal (p.Thr110Serfs*2) in the MMP13 gene. It is expected to result in an absent or disrupted protein product. Loss-of-function variants in MMP13 are known to be pathogenic (PMID: 24781753, 31413057).

Literature cited by the submitters: PubMed 24781753; PubMed 31413057.